The following is an entry in ClinVar:

ClinVar aggregate classification (germline): Uncertain significance (1 of 4 stars; one submission).

Allele frequency attached by ClinVar (database versions not stated): ExAC 0.00002; gnomAD exomes 0.00003; TOPMed 0.00003.
gnomAD v4.1: 12 of 1,609,766 alleles (0.00075%); highest among the groups gnomAD compares: East Asian, 0.025%; no homozygotes.

Submission:

Labcorp Genetics (formerly Invitae), Labcorp
Classification: Uncertain significance. Last evaluated: 2025-07-17. Review status: criteria provided, single submitter. Criteria: Invitae Variant Classification Sherloc (09022015). Collection method: clinical testing. Allele origin: germline.
Comment: This sequence change falls in intron 11 of the CTR9 gene. It does not directly change the encoded amino acid sequence of the CTR9 protein. It affects a nucleotide within the consensus splice site. This variant is present in population databases (rs762141614, gnomAD 0.04%). This variant has not been reported in the literature in individuals affected with CTR9-related conditions. ClinVar contains an entry for this variant (Variation ID: 1430352). Variants that disrupt the consensus splice site are a relatively common cause of aberrant splicing (PMID: 17576681, 9536098). Algorithms developed to predict the effect of sequence changes on RNA splicing suggest that this variant is not likely to affect RNA splicing. In summary, the available evidence is currently insufficient to determine the role of this variant in disease. Therefore, it has been classified as a Variant of Uncertain Significance.

Literature cited by the submitters: PubMed 17576681; PubMed 9536098.

NM_014633.5(CTR9):c.1413+4G>A

Genes: CTR9 (CTR9 component of Paf1/RNA polymerase II complex; plus strand), LOC126861140 (CDK7 strongly-dependent group 2 enhancer GRCh37_chr11:10785333-10786532; plus strand). Cytogenetic location: 11p15.4.
Variant type: single nucleotide variant.
Coding change: c.1413+4G>A on transcript NM_014633.5 (MANE Select); 4 bases into the intron after coding-DNA position 1413, G replaced by A.
Molecular consequence: intron variant.
Genome position (GRCh38, 1-based): chr11:10,764,440, G>A. VCF-style: chr11-10764440-G-A. GRCh37 (hg19) VCF-style: chr11-10785987-G-A.
Other names: c.1413+4G>A (NM_001346279.2).
Identifiers: ClinVar variation 1430352 (VCV001430352.6), dbSNP rs762141614, ClinGen allele CA5885078.